The following is an entry in ClinVar:

ClinVar aggregate classification (germline): Likely benign. Review status: criteria provided, multiple submitters, no conflicts (2 of 4 stars). 2 submissions from 2 submitters: Likely benign (2). Last evaluated 2025-01-06.

Conditions:
SLC20A2-related disorder. Also called: SLC20A2-related condition.

gnomAD v4.1: 169 of 1,613,816 alleles (0.01%); highest among the groups gnomAD compares: Middle Eastern, 0.016%; no homozygotes.

Submissions (2):

Mayo Clinic Laboratories, Mayo Clinic
Classification: Likely benign. Last evaluated: 2025-01-06. Review status: criteria provided, single submitter. Criteria: ACMG Guidelines, 2015. Collection method: clinical testing. Allele origin: germline. Observed: 1 variant allele.
Comment: BS2, BP4, BP7

PreventionGenetics, part of Exact Sciences
Classification: Likely benign for SLC20A2-related condition. Last evaluated: 2024-12-03. Review status: criteria provided, single submitter. Criteria: ACMG Guidelines, 2015. Collection method: clinical testing. Allele origin: germline.
Comment: This variant is classified as likely benign based on ACMG/AMP sequence variant interpretation guidelines (Richards et al. 2015 PMID: 25741868, with internal and published modifications).

NM_001257180.2(SLC20A2):c.1836G>A (p.Lys612=)

Gene: SLC20A2 (solute carrier family 20 member 2; minus strand). Cytogenetic location: 8p11.21.
Variant type: single nucleotide variant.
Coding change: c.1836G>A on transcript NM_001257180.2 (MANE Select); coding-DNA position 1836, G replaced by A.
Protein change: p.Lys612=; no amino-acid change (lysine 612 retained).
Molecular consequence: synonymous variant.
Genome position (GRCh38, 1-based): chr8:42,417,926, C>T on the plus strand (G>A on the coding strand, the complement: SLC20A2 is on the minus strand). VCF-style: chr8-42417926-C-T. GRCh37 (hg19) VCF-style: chr8-42275444-C-T.
Other names: p.Lys612=; c.1836G>A, p.Lys612= (NM_001257181.2, NM_006749.5); c.1836G>A (NM_001257180.1).
Identifiers: ClinVar variation 4683340 (VCV004683340.2).